The following is an entry in ClinVar:

ClinVar aggregate classification (germline): Pathogenic/Likely pathogenic. Review status: criteria provided, multiple submitters, no conflicts (2 of 4 stars). 2 submissions from 2 submitters: Pathogenic (1); Likely pathogenic (1). Last evaluated 2023-09-27.

Conditions:
LCA5-related disorder. Also called: LCA5-related condition.

Allele frequency attached by ClinVar (database versions not stated): gnomAD exomes below 0.00001.

Submissions (2):

Blueprint Genetics
Classification: Likely pathogenic for LCA5-related disorders. Last evaluated: 2023-09-27. Review status: criteria provided, single submitter. Criteria: ACMG Guidelines, 2015. Collection method: clinical testing. Allele origin: germline. Affected: yes. Observed: 2 variant alleles.

Labcorp Genetics (formerly Invitae), Labcorp
Classification: Pathogenic. Last evaluated: 2023-04-17. Review status: criteria provided, single submitter. Criteria: Invitae Variant Classification Sherloc (09022015). Collection method: clinical testing. Allele origin: germline.
Comment: For these reasons, this variant has been classified as Pathogenic. This variant disrupts a region of the LCA5 protein in which other variant(s) (p.Lys586*) have been determined to be pathogenic (PMID: 23946133, 27624628). This suggests that this is a clinically significant region of the protein, and that variants that disrupt it are likely to be disease-causing. ClinVar contains an entry for this variant (Variation ID: 866941). This sequence change creates a premature translational stop signal (p.Pro487Argfs*7) in the LCA5 gene. While this is not anticipated to result in nonsense mediated decay, it is expected to disrupt the last 211 amino acid(s) of the LCA5 protein. This variant has not been reported in the literature in individuals affected with LCA5-related conditions. This variant is not present in population databases (gnomAD no frequency).

Literature cited by the submitters: PubMed 23946133 (cited by Labcorp Genetics (formerly Invitae), Labcorp); PubMed 27624628 (cited by Labcorp Genetics (formerly Invitae), Labcorp).

NM_001122769.3(LCA5):c.1460_1461del (p.Pro487fs)

Gene: LCA5 (lebercilin LCA5; minus strand). Cytogenetic location: 6q14.1.
Variant type: Deletion.
Coding change: c.1460_1461del on transcript NM_001122769.3 (MANE Select); coding-DNA positions 1460 to 1461, 2 bases deleted (CT; older notation c.1460_1461delCT).
Protein change: p.Pro487fs; shifts the reading frame from proline 487.
Molecular consequence: frameshift variant.
Genome position (GRCh38, 1-based): chr6:79,487,637-79,487,638, AG deleted on the plus strand (CT on the coding strand, the reverse complement: LCA5 is on the minus strand). VCF-style (leftmost placement, unchanged base first): chr6-79487636-CAG-C. GRCh37 (hg19) VCF-style: chr6-80197353-CAG-C.
Other names: c.1460_1461del, p.Pro487fs (NM_181714.4); short protein forms P487fs.
Identifiers: ClinVar variation 866941 (VCV000866941.10), dbSNP rs1769707298, ClinGen allele CA916082887.